The following is an entry in ClinVar:

NM_001868.4(CPA1):c.614C>T (p.Ala205Val)

Gene: CPA1 (carboxypeptidase A1; plus strand). Cytogenetic location: 7q32.2.
Variant type: single nucleotide variant.
Coding change: c.614C>T on transcript NM_001868.4 (MANE Select); coding-DNA position 614, C replaced by T.
Protein change: p.Ala205Val; replaces alanine 205 with valine.
Molecular consequence: missense variant.
Genome position (GRCh38, 1-based): chr7:130,383,712, C>T. VCF-style: chr7-130383712-C-T. GRCh37 (hg19) VCF-style: chr7-130023553-C-T.
Other names: short protein forms A205V.
Identifiers: ClinVar variation 1751872 (VCV001751872.2), dbSNP rs1554411573, ClinGen allele CA369282694.

ClinVar aggregate classification (germline): Uncertain significance (1 of 4 stars; one submission).

Conditions:
Hereditary pancreatitis (PCTT). Also called: Hereditary chronic pancreatitis; PRSS1-Related Hereditary Pancreatitis. Identifiers: Orphanet 676, MedGen C0238339, MONDO:0008185, OMIM 167800.

Allele frequency attached by ClinVar (database versions not stated): gnomAD exomes below 0.00001.
gnomAD v4.1: 1 of 1,614,112 alleles (0.000062%); highest among the groups gnomAD compares: African/African-American, 0.0013%; no homozygotes.

Submission:

Ambry Genetics
Classification: Uncertain significance for Hereditary pancreatitis. Last evaluated: 2022-03-06. Review status: criteria provided, single submitter. Criteria: Ambry Variant Classification Scheme 2023. Collection method: clinical testing. Allele origin: germline.
Comment: The p.A205V variant (also known as c.614C>T), located in coding exon 6 of the CPA1 gene, results from a C to T substitution at nucleotide position 614. The alanine at codon 205 is replaced by valine, an amino acid with similar properties. This amino acid position is conserved. In addition, this alteration is predicted to be tolerated by in silico analysis. Since supporting evidence is limited at this time, the clinical significance of this alteration remains unclear.